The following is an entry in ClinVar:

ClinVar aggregate classification (germline): Uncertain significance. Review status: criteria provided, multiple submitters, no conflicts (2 of 4 stars). 2 submissions from 2 submitters: Uncertain significance (2). Last evaluated 2025-04-19.

Conditions:
Hereditary cancer-predisposing syndrome. Also called: Hereditary Cancer Syndrome; Tumor predisposition; Hereditary neoplastic syndrome; Neoplastic Syndromes, Hereditary. Identifiers: Orphanet 140162, MedGen C0027672, MeSH D009386, MONDO:0015356.

Allele frequency attached by ClinVar (database versions not stated): gnomAD exomes below 0.00001 and 0.00001; ExAC 0.00001.
gnomAD v4.1: 2 of 1,609,762 alleles (0.00012%); highest among the groups gnomAD compares: Admixed American, 0.0033%; no homozygotes.

Submissions (2):

Ambry Genetics
Classification: Uncertain significance for Hereditary cancer-predisposing syndrome. Last evaluated: 2025-04-19. Review status: criteria provided, single submitter. Criteria: Ambry Variant Classification Scheme 2023. Collection method: clinical testing. Allele origin: germline.
Comment: The p.P295R variant (also known as c.884C>G), located in coding exon 6 of the NTHL1 gene, results from a C to G substitution at nucleotide position 884. The proline at codon 295 is replaced by arginine, an amino acid with dissimilar properties. This amino acid position is highly conserved in available vertebrate species. In addition, this alteration is predicted to be deleterious by in silico analysis. Since supporting evidence is limited at this time, the clinical significance of this alteration remains unclear.

Labcorp Genetics (formerly Invitae), Labcorp
Classification: Uncertain significance. Last evaluated: 2023-09-29. Review status: criteria provided, single submitter. Criteria: Invitae Variant Classification Sherloc (09022015). Collection method: clinical testing. Allele origin: germline.
Comment: This variant is present in population databases (rs754220493, gnomAD 0.003%). In summary, the available evidence is currently insufficient to determine the role of this variant in disease. Therefore, it has been classified as a Variant of Uncertain Significance. An algorithm developed to predict the effect of missense changes on protein structure and function (PolyPhen-2) suggests that this variant is likely to be disruptive. ClinVar contains an entry for this variant (Variation ID: 1408735). This variant has not been reported in the literature in individuals affected with NTHL1-related conditions. This sequence change replaces proline, which is neutral and non-polar, with arginine, which is basic and polar, at codon 295 of the NTHL1 protein (p.Pro295Arg).

NM_002528.7(NTHL1):c.860C>G (p.Pro287Arg)

Gene: NTHL1 (nth like DNA glycosylase 1; minus strand). Cytogenetic location: 16p13.3.
Variant type: single nucleotide variant.
Coding change: c.860C>G on transcript NM_002528.7 (MANE Select); coding-DNA position 860, C replaced by G.
Protein change: p.Pro287Arg; replaces proline 287 with arginine.
Molecular consequence: missense variant.
Genome position (GRCh38, 1-based): chr16:2,039,979, G>C on the plus strand (C>G on the coding strand, the complement: NTHL1 is on the minus strand). VCF-style: chr16-2039979-G-C. GRCh37 (hg19) VCF-style: chr16-2089980-G-C.
Other names: c.689C>G, p.Pro230Arg (NM_001318193.2); c.530C>G, p.Pro177Arg (NM_001318194.2); short protein forms P287R, P177R, P230R.
Identifiers: ClinVar variation 1408735 (VCV001408735.9), dbSNP rs754220493, ClinGen allele CA7828078.